The following is an entry in ClinVar:

ClinVar aggregate classification (germline): Uncertain significance (1 of 4 stars; one submission).

Submission:

Labcorp Genetics (formerly Invitae), Labcorp
Classification: Uncertain significance. Last evaluated: 2024-04-15. Review status: criteria provided, single submitter. Criteria: Invitae Variant Classification Sherloc (09022015). Collection method: clinical testing. Allele origin: germline.
Comment: This sequence change replaces phenylalanine, which is neutral and non-polar, with cysteine, which is neutral and slightly polar, at codon 238 of the KLHDC8B protein (p.Phe238Cys). This variant is not present in population databases (gnomAD no frequency). This variant has not been reported in the literature in individuals affected with KLHDC8B-related conditions. An algorithm developed to predict the effect of missense changes on protein structure and function (PolyPhen-2) suggests that this variant is likely to be disruptive. In summary, the available evidence is currently insufficient to determine the role of this variant in disease. Therefore, it has been classified as a Variant of Uncertain Significance.

NM_173546.3(KLHDC8B):c.713T>G (p.Phe238Cys)

Gene: KLHDC8B (kelch domain containing 8B; plus strand). Cytogenetic location: 3p21.31.
Variant type: single nucleotide variant.
Coding change: c.713T>G on transcript NM_173546.3 (MANE Select); coding-DNA position 713, T replaced by G.
Protein change: p.Phe238Cys; replaces phenylalanine 238 with cysteine.
Molecular consequence: missense variant.
Genome position (GRCh38, 1-based): chr3:49,174,913, T>G. VCF-style: chr3-49174913-T-G. GRCh37 (hg19) VCF-style: chr3-49212346-T-G.
Other names: short protein forms F238C.
Identifiers: ClinVar variation 3674450 (VCV003674450.2).